The following is an entry in ClinVar:

ClinVar aggregate classification (germline): Pathogenic. Review status: reviewed by expert panel (3 of 4 stars). 6 submissions from 6 submitters: Pathogenic (1). 5 of the submissions do not count toward it. Last evaluated 2025-08-15.

Conditions:
Phenylketonuria (PKU). Also called: FOLLING DISEASE; Phenylketonurias; OLIGOPHRENIA PHENYLPYRUVICA; Phenylketonuria (PKU). Identifiers: Orphanet 716, MedGen C0031485, MONDO:0009861, OMIM 261600. Disease mechanism: loss of function.

Allele frequency attached by ClinVar (database versions not stated): gnomAD exomes below 0.00001.
gnomAD v4.1: 1 of 1,613,824 alleles (0.000062%); highest among the groups gnomAD compares: Non-Finnish European, 0.000085%; no homozygotes.

Submissions (6):

ClinGen PAH Variant Curation Expert Panel
Classification: Pathogenic for Phenylketonuria. Last evaluated: 2025-08-15. Review status: reviewed by expert panel. Criteria: ClinGen PAH ACMG Specifications v1. Collection method: curation. Allele origin: germline. Inheritance: Autosomal recessive inheritance.
Comment: The NM_000277.3(PAH):c.1229T>C variant in PAH is a missense variant predicted to cause substitution of phenylalanine to serine at amino acid 410 (p.Phe410Ser). At least one patient with this variant displayed plasma phenylalanine concentration persistently above 120umol/L (2mg/dL) and sequencing of genes in the BH4 cofactor metabolism pathway to exclude a defect of BH4 cofactor metabolism which is highly specific for Phenylketonuria (PP4_moderate; PMIDs:26542770, 10679941). This variant has been detected in 2 individuals with Phenylketonuria. Of those individuals, both were compound heterozygous for the variant and distinct likely pathogenic p.P281L (parental testing was not reported) and pathogenic p.I306V (in trans) variants (PM3; PMID: 26542770). The highest population minor allele frequency in gnomAD v4.1.0 is 0.0000008476 in European (non-Finnnish) population, which is lower than the ClinGen PAH Variant Curation Expert Panel threshold (<0.0002) for PM2_Supporting, meeting this criterion (PM2_Supporting). The computational predictor REVEL gives a score of 0.992, which meets the threshold of 0.932, evidence that correlates with strong impact to PAH function (PP3_Strong). Two different missense variants, c.1229T>G (p.Phe410Cys) and c.1229T>G (p.Phe410Cys) are in the same codon have been classified as likely pathogenic for PAH deficiency by the ClinGen PAH Variant Curation Expert Panel (PM5). In summary, this variant meets criteria to be classified as pathogenic for PAH. PAH-specific ACMG/AMP criteria applied: PM2_supporting, PM3, PP3_strong, PP4_moderate, PM5. Version 2.0, 7/16/2024.

3billion
Classification: Likely pathogenic for Phenylketonuria. Last evaluated: 2025-12-08. Review status: criteria provided, single submitter. Criteria: ACMG Guidelines, 2015. Collection method: clinical testing. Allele origin: germline. Affected: yes. Not counted in ClinVar's aggregate classification.
Comment: The variant is observed at an extremely low frequency in the gnomAD v4.1.0 dataset (total allele frequency: <0.001%). Predicted Consequence/Location: Missense variant In silico tool predictions suggest damaging effect of the variant on gene or gene product [REVEL: 0.99 (>=0.6, sensitivity 0.68 and specificity 0.92); 3Cnet: 0.99 (> 0.75, sensitivity 0.96 and precision 0.92)]. The same nucleotide change resulting in the same amino acid change has been previously reported as pathogenic/likely pathogenic with strong evidence (ClinVar ID: VCV000102571 /PMID: 10679941). Different missense changes at the same codon (p.Phe410Cys, p.Phe410Ile) have been reported as pathogenic/likely pathogenic with strong evidence (ClinVar ID: VCV000102572, VCV000932279 /PMID: 18798839, 26542770). Therefore, this variant is classified as Likely pathogenic according to the recommendation of ACMG/AMP guideline.

Labcorp Genetics (formerly Invitae), Labcorp
Classification: Pathogenic for Phenylketonuria. Last evaluated: 2025-08-12. Review status: criteria provided, single submitter. Criteria: Invitae Variant Classification Sherloc (09022015). Collection method: clinical testing. Allele origin: germline. Not counted in ClinVar's aggregate classification.
Comment: This sequence change replaces phenylalanine, which is neutral and non-polar, with serine, which is neutral and polar, at codon 410 of the PAH protein (p.Phe410Ser). This variant is not present in population databases (gnomAD no frequency). This missense change has been observed in individual(s) with mild hyperphenylalaninemia and/or mild phenylketonuria (PMID: 10679941, 26542770). In at least one individual the data is consistent with being in trans (on the opposite chromosome) from a pathogenic variant. ClinVar contains an entry for this variant (Variation ID: 102571). Invitae Evidence Modeling of protein sequence and biophysical properties (such as structural, functional, and spatial information, amino acid conservation, physicochemical variation, residue mobility, and thermodynamic stability) has been performed for this missense variant. However, the output from this modeling did not meet the statistical confidence thresholds required to predict the impact of this variant on PAH protein function. This variant disrupts the p.Phe410 amino acid residue in PAH. Other variant(s) that disrupt this residue have been determined to be pathogenic (PMID: 33465300). This suggests that this residue is clinically significant, and that variants that disrupt this residue are likely to be disease-causing. For these reasons, this variant has been classified as Pathogenic.

CeGaT Center for Human Genetics Tuebingen
Classification: Pathogenic. Last evaluated: 2025-07-01. Review status: criteria provided, single submitter. Criteria: CeGaT Center For Human Genetics Tuebingen Variant Classification Criteria Version 2. Collection method: clinical testing. Allele origin: germline. Affected: yes. Observed: 1 variant allele. Not counted in ClinVar's aggregate classification.
Comment: PAH: PM3:Strong, PM2, PM5, PP4:Moderate

Counsyl
Classification: Uncertain significance for Phenylketonuria. Last evaluated: 2017-02-01. Review status: no assertion criteria provided. Collection method: clinical testing. Allele origin: unknown. Not counted in ClinVar's aggregate classification.

DeBelle Laboratory for Biochemical Genetics, MUHC/MCH RESEARCH INSTITUTE
No classification provided. Review status: no classification provided. Collection method: not provided. Allele origin: not provided. Not counted in ClinVar's aggregate classification.

Literature cited by the submitters: PubMed 10679941 (cited by 3 submitters); PubMed 18798839 (cited by 3billion); PubMed 26542770 (cited by Labcorp Genetics (formerly Invitae), Labcorp and Counsyl); PubMed 33465300 (cited by Labcorp Genetics (formerly Invitae), Labcorp).

NM_000277.3(PAH):c.1229T>C (p.Phe410Ser)

Gene: PAH (phenylalanine hydroxylase; minus strand). Cytogenetic location: 12q23.2.
Variant type: single nucleotide variant.
Coding change: c.1229T>C on transcript NM_000277.3 (MANE Select); coding-DNA position 1229, T replaced by C.
Protein change: p.Phe410Ser; replaces phenylalanine 410 with serine.
Molecular consequence: missense variant.
Genome position (GRCh38, 1-based): chr12:102,840,486, A>G on the plus strand (T>C on the coding strand, the complement: PAH is on the minus strand). VCF-style: chr12-102840486-A-G. GRCh37 (hg19) VCF-style: chr12-103234264-A-G.
Other names: NM_000277.3(PAH):c.1229T>C; c.1229T>C, p.Phe410Ser (NM_001354304.2); short protein forms F410S.
Identifiers: ClinVar variation 102571 (VCV000102571.11), dbSNP rs62644475, ClinGen allele CA229405.